The following is an entry in ClinVar:

ClinVar aggregate classification (germline): Uncertain significance (1 of 4 stars; one submission).

Conditions:
Imerslund-Grasbeck syndrome. Also called: PERNICIOUS ANEMIA, JUVENILE, DUE TO SELECTIVE INTESTINAL MALABSORPTION OF VITAMIN B12, WITH PROTEINURIA; ENTEROCYTE COBALAMIN MALABSORPTION; ENTEROCYTE INTRINSIC FACTOR RECEPTOR, DEFECT OF; Imerslund-Gräsbeck syndrome; Megaloblastic anemia due to inborn errors of metabolism. Identifiers: Orphanet 35858, MedGen C4551825, MONDO:0009853.

Allele frequency attached by ClinVar (database versions not stated): gnomAD exomes below 0.00001; TOPMed 0.00004.
gnomAD v4.1: 3 of 1,613,140 alleles (0.00019%); highest among the groups gnomAD compares: Non-Finnish European, 0.00017%; no homozygotes.

Submission:

Labcorp Genetics (formerly Invitae), Labcorp
Classification: Uncertain significance for Imerslund-Grasbeck syndrome. Last evaluated: 2018-12-04. Review status: criteria provided, single submitter. Criteria: Invitae Variant Classification Sherloc (09022015). Collection method: clinical testing. Allele origin: germline.
Comment: In summary, the available evidence is currently insufficient to determine the role of this variant in disease. Therefore, it has been classified as a Variant of Uncertain Significance. Algorithms developed to predict the effect of missense changes on protein structure and function (SIFT, PolyPhen-2, Align-GVGD) all suggest that this variant is likely to be disruptive, but these predictions have not been confirmed by published functional studies and their clinical significance is uncertain. This variant has not been reported in the literature in individuals with CUBN-related conditions. This variant is not present in population databases (ExAC no frequency). This sequence change replaces cysteine with tyrosine at codon 2336 of the CUBN protein (p.Cys2336Tyr). The cysteine residue is highly conserved and there is a large physicochemical difference between cysteine and tyrosine.

NM_001081.4(CUBN):c.7007G>A (p.Cys2336Tyr)

Gene: CUBN (cubilin; minus strand). Cytogenetic location: 10p13.
Variant type: single nucleotide variant.
Coding change: c.7007G>A on transcript NM_001081.4 (MANE Select); coding-DNA position 7007, G replaced by A.
Protein change: p.Cys2336Tyr; replaces cysteine 2336 with tyrosine.
Molecular consequence: missense variant.
Genome position (GRCh38, 1-based): chr10:16,916,024, C>T on the plus strand (G>A on the coding strand, the complement: CUBN is on the minus strand). VCF-style: chr10-16916024-C-T. GRCh37 (hg19) VCF-style: chr10-16958023-C-T.
Other names: short protein forms C2336Y.
Identifiers: ClinVar variation 641354 (VCV000641354.8), dbSNP rs1413359792, ClinGen allele CA376146965.